The following is an entry in ClinVar:

NM_001348323.3(TRIP12):c.1429A>G (p.Arg477Gly)

Gene: TRIP12 (thyroid hormone receptor interactor 12; minus strand). Cytogenetic location: 2q36.3.
Variant type: single nucleotide variant.
Coding change: c.1429A>G on transcript NM_001348323.3 (MANE Select); coding-DNA position 1429, A replaced by G.
Protein change: p.Arg477Gly; replaces arginine 477 with glycine.
Molecular consequence: missense variant.
Genome position (GRCh38, 1-based): chr2:229,829,214, T>C on the plus strand (A>G on the coding strand, the complement: TRIP12 is on the minus strand). VCF-style: chr2-229829214-T-C. GRCh37 (hg19) VCF-style: chr2-230693930-T-C.
Other names: c.1429A>G, p.Arg477Gly (NM_001284214.2, NM_001348315.2, NM_001348319.1 and 11 more transcripts); c.1303A>G, p.Arg435Gly (NM_001284215.2, NM_001348316.2, NM_001348317.1 and 2 more transcripts); c.394A>G, p.Arg132Gly (NM_001284216.2); c.1342A>G, p.Arg448Gly (NM_001348332.1); c.1285A>G, p.Arg429Gly (NM_004238.3); short protein forms R132G, R429G, R435G, R448G, R477G.
Identifiers: ClinVar variation 3900250 (VCV003900250.1).
Genomic context (GRCh38, chr2:229,829,214, plus strand): 5'-ATTATTGAGGGATTTCAGGGAAGGAACATTTTTACTTACTAGCTCCACTTCCAATTGTTC[T>C]ATGGAAAAGCTGTGACATCCGAGGACCAAGAGGACCAAATAGGTGAGGGGGAAGACCCCT-3'
Protein context (NP_001335252.1, residues 467-487): LGPRMSQLFH[Arg477Gly]TIGSGASSKA

ClinVar aggregate classification (germline): Uncertain significance (1 of 4 stars; one submission).

Submission:

GeneDx
Classification: Uncertain significance. Last evaluated: 2024-11-21. Review status: criteria provided, single submitter. Criteria: GeneDx Variant Classification Process June 2021. Collection method: clinical testing. Allele origin: germline. Affected: yes.
Comment: Not observed at significant frequency in large population cohorts (gnomAD); In silico analysis supports that this missense variant has a deleterious effect on protein structure/function; Has not been previously published as pathogenic or benign to our knowledge